The following is an entry in ClinVar:

NC_000005.9:g.(112164670_112170647)_(112181937_?)del

Gene: APC (APC regulator of Wnt signaling pathway; plus strand). Cytogenetic location: 5q22.2.
Variant type: Deletion.
Identifiers: ClinVar variation 4853619 (VCV004853619.1).

ClinVar aggregate classification (germline): Pathogenic (1 of 4 stars; one submission).

Conditions:
Familial multiple polyposis syndrome (FAP). Also called: Familial adenomatous polyposis; Familial intestinal polyposis; Familial polyposis; Classic familial adenomatous polyposis; Familial Adenomatous Polyposis (FAP). Identifiers: Orphanet 733, MedGen C0032580, MONDO:0021055. Disease mechanism: loss of function.

Submission:

Women's Health and Genetics/Laboratory Corporation of America, LabCorp
Classification: Pathogenic for Familial multiple polyposis syndrome. Last evaluated: 2026-05-01. Review status: criteria provided, single submitter. Criteria: LabCorp Variant Classification Summary - May 2015. Collection method: clinical testing. Allele origin: germline.
Comment: Variant summary: The variant involves the deletion of exons 15-16 in the APC gene. A presumed nomenclature of c.(1743+1_1744-1)_(*2114_?)del has been designated for the purposes of this classification. The exact breakpoint at the distal 3' end of this variant is unknown, therefore this deletion may extend downstream of the annotated region of the gene. As it encompasses the termination codon, it is predicted to escape nonsense mediated decay (NMD). Loss-of-function variants in this gene are known to be pathogenic. The variant was absent in 21376 control chromosomes. To our knowledge, no occurrence of c.(1743+1_1744-1)_(*2114_?)del in individuals affected with APC-related conditions and no experimental evidence demonstrating its impact on protein function have been reported. At least one nonsense variant within the deletion region (c.7678C>T, p.Arg2560X) has been classified as Pathogenic by our lab, providing evidence that the region altered by the variant is critical to protein function. ClinVar contains an entry for this variant (Variation ID: 2422172). Based on the evidence outlined above, the variant was classified as pathogenic.